The following is an entry in ClinVar:

ClinVar aggregate classification (germline): Likely benign. Review status: criteria provided, multiple submitters, no conflicts (2 of 4 stars). 2 submissions from 2 submitters: Likely benign (2). Last evaluated 2025-12-08.

Conditions:
CNGB1-related disorder. Also called: CNGB1-related condition.

gnomAD v4.1: 2 of 1,614,038 alleles (0.00012%); highest among the groups gnomAD compares: Admixed American, 0.0017%; no homozygotes.

Submissions (2):

Labcorp Genetics (formerly Invitae), Labcorp
Classification: Likely benign. Last evaluated: 2025-12-08. Review status: criteria provided, single submitter. Criteria: Invitae Variant Classification Sherloc (09022015). Collection method: clinical testing. Allele origin: germline.

PreventionGenetics, part of Exact Sciences
Classification: Likely benign for CNGB1-related condition. Last evaluated: 2025-03-11. Review status: criteria provided, single submitter. Criteria: ACMG Guidelines, 2015. Collection method: clinical testing. Allele origin: germline.
Comment: This variant is classified as likely benign based on ACMG/AMP sequence variant interpretation guidelines (Richards et al. 2015 PMID: 25741868, with internal and published modifications).

NM_001297.5(CNGB1):c.3717G>C (p.Ser1239=)

Gene: CNGB1 (cyclic nucleotide gated channel subunit beta 1; minus strand). Cytogenetic location: 16q21.
Variant type: single nucleotide variant.
Coding change: c.3717G>C on transcript NM_001297.5 (MANE Select); coding-DNA position 3717, G replaced by C.
Protein change: p.Ser1239=; no amino-acid change (serine 1239 retained).
Molecular consequence: synonymous variant.
Genome position (GRCh38, 1-based): chr16:57,884,203, C>G on the plus strand (G>C on the coding strand, the complement: CNGB1 is on the minus strand). VCF-style: chr16-57884203-C-G. GRCh37 (hg19) VCF-style: chr16-57918107-C-G.
Other names: c.3717G>C (NM_001297.4); c.3699G>C, p.Ser1233= (NM_001286130.2).
Identifiers: ClinVar variation 1133553 (VCV001133553.10), dbSNP rs202083169, ClinGen allele CA495792914.